The following is an entry in ClinVar:

NM_004281.4(BAG3):c.451T>C (p.Cys151Arg)

Gene: BAG3 (BAG cochaperone 3; plus strand). Cytogenetic location: 10q26.11.
Variant type: single nucleotide variant.
Coding change: c.451T>C on transcript NM_004281.4 (MANE Select); coding-DNA position 451, T replaced by C.
Protein change: p.Cys151Arg; replaces cysteine 151 with arginine.
Molecular consequence: missense variant.
Genome position (GRCh38, 1-based): chr10:119,670,121, T>C. VCF-style: chr10-119670121-T-C. GRCh37 (hg19) VCF-style: chr10-121429633-T-C.
Other names: p.C151R:TGT>CGT; short protein forms C151R.
Identifiers: ClinVar variation 44783 (VCV000044783.50), dbSNP rs2234962, ClinGen allele CA282467.

ClinVar aggregate classification (germline): Benign/Likely benign. Review status: criteria provided, multiple submitters, no conflicts (2 of 4 stars). 19 submissions from 18 submitters: Benign (14); Likely benign (2). 3 of the submissions do not count toward it. Last evaluated 2026-02-04.

Conditions:
Cardiovascular phenotype. Identifiers: MedGen CN230736.
Myofibrillar myopathy 6. Identifiers: Orphanet 199340, MedGen C2751831, MONDO:0013061, OMIM 612954.
Dilated cardiomyopathy 1HH (CMD1HH). Identifiers: Orphanet 154, MedGen C3151293, MONDO:0013479, OMIM 613881.

Allele frequency attached by ClinVar (database versions not stated): gnomAD 0.14532 and 0.14637; TOPMed 0.13306; ESP Exome Variant Server 0.15112; gnomAD exomes 0.17309; 1000 Genomes Project 30x 0.09603; ExAC 0.17674; 1000 Genomes Project 0.09645.
gnomAD v4.1: 315,246 of 1,613,424 alleles (20%); highest among the groups gnomAD compares: Non-Finnish European, 21%; 33,563 homozygotes.

Submissions (19):

Labcorp Genetics (formerly Invitae), Labcorp
Classification: Benign for Dilated cardiomyopathy 1HH; Myofibrillar myopathy 6. Last evaluated: 2026-02-04. Review status: criteria provided, single submitter. Criteria: Invitae Variant Classification Sherloc (09022015). Collection method: clinical testing. Allele origin: germline.

ARUP Laboratories, Molecular Genetics and Genomics, ARUP Laboratories
Classification: Benign. Last evaluated: 2025-07-28. Review status: criteria provided, single submitter. Criteria: ARUP Molecular Germline Variant Investigation Process 2024. Collection method: clinical testing. Allele origin: germline.

Molecular Diagnostic Laboratory for Inherited Cardiovascular Disease, Montreal Heart Institute
Classification: Benign. Last evaluated: 2025-04-09. Review status: criteria provided, single submitter. Criteria: ACMG Guidelines, 2015. Collection method: clinical testing. Allele origin: germline. Affected: no.

Blueprint Genetics
Classification: Benign. Last evaluated: 2024-11-27. Review status: criteria provided, single submitter. Criteria: ACMG Guidelines, 2015. Collection method: clinical testing. Allele origin: germline.

Mayo Clinic Laboratories, Mayo Clinic
Classification: Benign. Last evaluated: 2023-01-05. Review status: criteria provided, single submitter. Criteria: ACMG Guidelines, 2015. Collection method: clinical testing. Allele origin: germline. Observed: 1,007 variant alleles.
Comment: BA1

Genome-Nilou Lab
Classification: Benign for Myofibrillar myopathy 6. Last evaluated: 2021-07-14. Review status: criteria provided, single submitter. Criteria: ACMG Guidelines, 2015. Collection method: clinical testing. Allele origin: germline. Affected: no.

Women's Health and Genetics/Laboratory Corporation of America, LabCorp
Classification: Likely benign. Last evaluated: 2020-08-11. Review status: criteria provided, single submitter. Criteria: LabCorp Variant Classification Summary - May 2015. Collection method: clinical testing. Allele origin: germline.

Illumina Laboratory Services, Illumina
Classification: Benign for Myofibrillar myopathy 6. Last evaluated: 2017-04-27. Review status: criteria provided, single submitter. Criteria: ICSL Variant Classification Criteria 13 December 2019. Collection method: clinical testing. Allele origin: germline.
Comment: This variant was observed as part of a predisposition screen in an ostensibly healthy population. A literature search was performed for the gene, cDNA change, and amino acid change (where applicable). No publications were found based on this search. Allele frequency data from public databases was too high to be consistent with this variant causing disease. Therefore, this variant is classified as benign.

Illumina Laboratory Services, Illumina
Classification: Benign for Dilated cardiomyopathy 1HH. Last evaluated: 2017-04-27. Review status: criteria provided, single submitter. Criteria: ICSL Variant Classification Criteria 13 December 2019. Collection method: clinical testing. Allele origin: germline.
Comment: This variant was observed as part of a predisposition screen in an ostensibly healthy population. A literature search was performed for the gene, cDNA change, and amino acid change (where applicable). Publications were found based on this search. The evidence from the literature, in combination with allele frequency data from public databases where available, was sufficient to rule this variant out of causing disease. Therefore, this variant is classified as benign.

Ambry Genetics
Classification: Benign for Cardiovascular phenotype. Last evaluated: 2015-06-19. Review status: criteria provided, single submitter. Criteria: Ambry Variant Classification Scheme 2023. Collection method: clinical testing. Allele origin: germline.

GeneDx
Classification: Benign. Last evaluated: 2014-01-08. Review status: criteria provided, single submitter. Criteria: GeneDx Variant Classification (06012015). Collection method: clinical testing. Allele origin: germline. Affected: yes.
Comment: This variant is considered likely benign or benign based on one or more of the following criteria: it is a conservative change, it occurs at a poorly conserved position in the protein, it is predicted to be benign by multiple in silico algorithms, and/or has population frequency not consistent with disease.

Biesecker Lab/Clinical Genomics Section, National Institutes of Health
Classification: Benign. Last evaluated: 2013-06-24. Review status: criteria provided, single submitter. Criteria: Ng et al. (Circ Cardiovasc Genet. 2013). Collection method: research. Allele origin: unknown. Observed: 231 variant alleles. Study: ClinSeq.
Comment: The study set was not selected for affection status in relation to any cancer. Pathogenicity categories were based on literature curation. See Pubmed ID:23861362 for details.

Medical sequencing

Eurofins Ntd Llc (ga)
Classification: Benign. Last evaluated: 2013-03-12. Review status: criteria provided, single submitter. Criteria: EGL Classification Definitions 2015. Collection method: clinical testing. Allele origin: germline. Observed: 1 variant allele, 1 homozygote.

Laboratory for Molecular Medicine, Mass General Brigham Personalized Medicine
Classification: Benign. Last evaluated: 2012-03-19. Review status: criteria provided, single submitter. Criteria: LMM Criteria. Collection method: clinical testing. Allele origin: germline. Observed: 505 variant alleles.
Comment: p.Cys151Arg in Exon 02 of BAG3: This variant is not expected to have clinical si gnificance because it has been identified in 20.5% (1437/7016) of European Ameri can chromosomes from a broad population by the NHLBI Exome Sequencing Project (dbSNP rs2234962).

Breakthrough Genomics
Classification: Likely benign. Review status: criteria provided, single submitter. Criteria: ACMG Guidelines, 2015. Collection method: not provided. Allele origin: germline. Inheritance: Autosomal dominant inheritance. Affected: yes.

PreventionGenetics, part of Exact Sciences
Classification: Benign. Review status: criteria provided, single submitter. Criteria: ACMG Guidelines, 2015. Collection method: clinical testing. Allele origin: germline.

Clinical Genetics, Academic Medical Center
Classification: Benign. Review status: no assertion criteria provided. Collection method: clinical testing. Allele origin: germline. Affected: yes. Study: VKGL Data-share Consensus. Not counted in ClinVar's aggregate classification.

Diagnostic Laboratory, Department of Genetics, University Medical Center Groningen
Classification: Benign. Review status: no assertion criteria provided. Collection method: clinical testing. Allele origin: germline. Affected: yes. Study: VKGL Data-share Consensus. Not counted in ClinVar's aggregate classification.

Joint Genome Diagnostic Labs from Nijmegen and Maastricht, Radboudumc and MUMC+
Classification: Benign. Review status: no assertion criteria provided. Collection method: clinical testing. Allele origin: germline. Affected: yes. Study: VKGL Data-share Consensus. Not counted in ClinVar's aggregate classification.

Literature cited by the submitters: PubMed 21459883 (cited by Illumina Laboratory Services, Illumina).